The following is an entry in ClinVar:

NM_153346.5(BEND2):c.2318A>G (p.Gln773Arg)

Gene: BEND2 (BEN domain containing 2; minus strand). Cytogenetic location: Xp22.13.
Variant type: single nucleotide variant.
Coding change: c.2318A>G on transcript NM_153346.5 (MANE Select); coding-DNA position 2318, A replaced by G.
Protein change: p.Gln773Arg; replaces glutamine 773 with arginine.
Molecular consequence: missense variant.
Genome position (GRCh38, 1-based): chrX:18,165,091, T>C on the plus strand (A>G on the coding strand, the complement: BEND2 is on the minus strand). VCF-style: chrX-18165091-T-C. GRCh37 (hg19) VCF-style: chrX-18183211-T-C.
Other names: short protein forms Q773R.
Identifiers: ClinVar variation 2660095 (VCV002660095.24), dbSNP rs141035350, ClinGen allele CA10359388.
Genomic context (GRCh38, chrX:18,165,091, plus strand): 5'-TCGGGATCTCCTGGCTTTGACTCCTGCTCCAGCTCTGGAGGGGTCACTGCTGGAAGCGAC[T>C]GAGACCTGGCTTCAGCCCTTCTGACGTCATGTCTAAGGCTACGGATACCGCTGTTGATGG-3'
Protein context (NP_699177.2, residues 763-783): HDVRRAEARS[Gln773Arg]SLPAVTPPEL

ClinVar aggregate classification (germline): Likely benign (1 of 4 stars; one submission).

Allele frequency attached by ClinVar (database versions not stated): gnomAD 0.00002; gnomAD exomes 0.00003; TOPMed 0.00004; ExAC 0.00006; ESP Exome Variant Server 0.00009.
gnomAD v4.1: 39 of 1,208,596 alleles (0.0032%); highest among the groups gnomAD compares: Middle Eastern, 0.03%; no homozygotes.

Submission:

CeGaT Center for Human Genetics Tuebingen
Classification: Likely benign. Last evaluated: 2023-04-01. Review status: criteria provided, single submitter. Criteria: CeGaT Center For Human Genetics Tuebingen Variant Classification Criteria Version 2. Collection method: clinical testing. Allele origin: germline. Affected: yes. Observed: 1 variant allele.
Comment: BEND2: BP4, BS2